The following is an entry in ClinVar:

NM_213653.4(HJV):c.880C>T (p.Leu294Phe)

Gene: HJV (hemojuvelin BMP co-receptor; minus strand). Cytogenetic location: 1q21.1.
Variant type: single nucleotide variant.
Coding change: c.880C>T on transcript NM_213653.4 (MANE Select); coding-DNA position 880, C replaced by T.
Protein change: p.Leu294Phe; replaces leucine 294 with phenylalanine.
Molecular consequence: missense variant.
Genome position (GRCh38, 1-based): chr1:146,018,478, G>A on the plus strand (C>T on the coding strand, the complement: HJV is on the minus strand). VCF-style: chr1-146018478-G-A. GRCh37 (hg19) VCF-style: chr1-145416535-C-T.
Other names: c.202C>T, p.Leu68Phe (NM_213652.4, NM_001316767.2, NM_202004.4); c.880C>T, p.Leu294Phe (NM_001379352.1); c.541C>T, p.Leu181Phe (NM_145277.5); short protein forms L181F, L294F, L68F.
Identifiers: ClinVar variation 2633644 (VCV002633644.3), dbSNP rs1553769477, ClinGen allele CA342136072.

ClinVar aggregate classification (germline): Uncertain significance. Review status: criteria provided, multiple submitters, no conflicts (2 of 4 stars). 2 submissions from 2 submitters: Uncertain significance (2). Last evaluated 2024-02-17.

Conditions:
HJV-related disorder. Also called: HJV-related condition.

Allele frequency attached by ClinVar (database versions not stated): gnomAD exomes below 0.00001; TOPMed below 0.00001.
gnomAD v4.1: 4 of 1,614,212 alleles (0.00025%); highest among the groups gnomAD compares: Non-Finnish European, 0.00034%; no homozygotes.

Submissions (2):

Labcorp Genetics (formerly Invitae), Labcorp
Classification: Uncertain significance. Last evaluated: 2024-02-17. Review status: criteria provided, single submitter. Criteria: Invitae Variant Classification Sherloc (09022015). Collection method: clinical testing. Allele origin: germline.
Comment: This sequence change replaces leucine, which is neutral and non-polar, with phenylalanine, which is neutral and non-polar, at codon 294 of the HJV protein (p.Leu294Phe). This variant is present in population databases (no rsID available, gnomAD 0.0009%). This missense change has been observed in individual(s) with hereditary hemochromatosis (Invitae). In at least one individual the data is consistent with being in trans (on the opposite chromosome) from a pathogenic variant. ClinVar contains an entry for this variant (Variation ID: 2633644). An algorithm developed to predict the effect of missense changes on protein structure and function (PolyPhen-2) suggests that this variant is likely to be disruptive. In summary, the available evidence is currently insufficient to determine the role of this variant in disease. Therefore, it has been classified as a Variant of Uncertain Significance.

PreventionGenetics, part of Exact Sciences
Classification: Uncertain significance for HJV-related condition. Last evaluated: 2023-03-16. Review status: criteria provided, single submitter. Criteria: ACMG Guidelines, 2015. Collection method: clinical testing. Allele origin: germline.
Comment: The HJV c.880C>T variant is predicted to result in the amino acid substitution p.Leu294Phe. To our knowledge, this variant has not been reported in the literature. This variant is reported in 0.00088% of alleles in individuals of European (Non-Finnish) descent in gnomAD. At this time, the clinical significance of this variant is uncertain due to the absence of conclusive functional and genetic evidence.